The following is an entry in ClinVar:

NM_000744.7(CHRNA4):c.1298A>G (p.Gln433Arg)

Gene: CHRNA4 (cholinergic receptor nicotinic alpha 4 subunit; minus strand). Cytogenetic location: 20q13.33.
Variant type: single nucleotide variant.
Coding change: c.1298A>G on transcript NM_000744.7 (MANE Select); coding-DNA position 1298, A replaced by G.
Protein change: p.Gln433Arg; replaces glutamine 433 with arginine.
Molecular consequence: missense variant. On other transcripts: non-coding transcript variant (1).
Genome position (GRCh38, 1-based): chr20:63,350,113, T>C on the plus strand (A>G on the coding strand, the complement: CHRNA4 is on the minus strand). VCF-style: chr20-63350113-T-C. GRCh37 (hg19) VCF-style: chr20-61981465-T-C.
Other names: c.770A>G, p.Gln257Arg (NM_001256573.2); short protein forms Q257R, Q433R.
Identifiers: ClinVar variation 5039812 (VCV005039812.1).

ClinVar aggregate classification (germline): Likely benign (1 of 4 stars; one submission).

gnomAD v4.1: 111 of 1,545,946 alleles (0.0072%); highest among the groups gnomAD compares: Non-Finnish European, 0.0096%; no homozygotes.

Submission:

CeGaT Center for Human Genetics Tuebingen
Classification: Likely benign. Last evaluated: 2026-07-01. Review status: criteria provided, single submitter. Criteria: CeGaT Center For Human Genetics Tuebingen Variant Classification Criteria Version 2. Collection method: clinical testing. Allele origin: germline. Affected: yes. Observed: 1 variant allele.
Comment: CHRNA4: BP4